The following is an entry in ClinVar:

ClinVar aggregate classification (germline): Likely benign (0 of 4 stars; one submission).

Conditions:
MYL1-related disorder. Also called: MYL1-related condition.

Allele frequency attached by ClinVar (database versions not stated): gnomAD exomes 0.00023; ExAC 0.00079; 1000 Genomes Project 0.00200; gnomAD 0.00200; TOPMed 0.00207; ESP Exome Variant Server 0.00215; 1000 Genomes Project 30x 0.00219.
gnomAD v4.1: 646 of 1,611,430 alleles (0.04%); highest among the groups gnomAD compares: African/African-American, 0.67%; 4 homozygotes.

Submission:

PreventionGenetics, part of Exact Sciences
Classification: Likely benign for MYL1-related condition. Last evaluated: 2019-11-27. Review status: no assertion criteria provided. Collection method: clinical testing. Allele origin: germline.
Comment: This variant is classified as likely benign based on ACMG/AMP sequence variant interpretation guidelines (Richards et al. 2015 PMID: 25741868, with internal and published modifications).

NM_079420.3(MYL1):c.133-1028T>C

Gene: MYL1 (myosin light chain 1; minus strand). Cytogenetic location: 2q34.
Variant type: single nucleotide variant.
Coding change: c.133-1028T>C on transcript NM_079420.3 (MANE Select); 1028 bases into the intron before coding-DNA position 133, T replaced by C.
Molecular consequence: intron variant. On other transcripts: missense variant (1), initiator codon variant (1).
Genome position (GRCh38, 1-based): chr2:210,303,543, A>G on the plus strand (T>C on the coding strand, the complement: MYL1 is on the minus strand). VCF-style: chr2-210303543-A-G. GRCh37 (hg19) VCF-style: chr2-211168267-A-G.
Other names: c.2T>C, p.Met1Thr (NM_079422.3); short protein forms M1T.
Identifiers: ClinVar variation 3041875 (VCV003041875.2), dbSNP rs138512142, ClinGen allele CA2085356.
Genomic context (GRCh38, chr2:210,303,543, plus strand): 5'-ATCATATCCTCTATCTATTTTCTCCTATAAATGACAAATTATTGTCTCATAGGACCCACC[A>G]TGATGGAGCGGCTGGGCTGCAACACAGCAGGGAAGCTGAAGAGTGAGTTGAGGGCTGCTC-3'